The following is an entry in ClinVar:

ClinVar aggregate classification (germline): Uncertain significance (1 of 4 stars; one submission).

Allele frequency attached by ClinVar (database versions not stated): TOPMed below 0.00001.
gnomAD v4.1: 5 of 1,614,094 alleles (0.00031%); highest among the groups gnomAD compares: Non-Finnish European, 0.00034%; no homozygotes.

Submission:

Labcorp Genetics (formerly Invitae), Labcorp
Classification: Uncertain significance. Last evaluated: 2021-09-01. Review status: criteria provided, single submitter. Criteria: Invitae Variant Classification Sherloc (09022015). Collection method: clinical testing. Allele origin: germline.
Comment: This sequence change replaces histidine with tyrosine at codon 207 of the FCHO1 protein (p.His207Tyr). The histidine residue is highly conserved and there is a moderate physicochemical difference between histidine and tyrosine. This variant is not present in population databases (ExAC no frequency). This variant has not been reported in the literature in individuals affected with FCHO1-related conditions. Algorithms developed to predict the effect of missense changes on protein structure and function are either unavailable or do not agree on the potential impact of this missense change (SIFT: "Tolerated"; PolyPhen-2: "Probably Damaging"; Align-GVGD: "Class C0"). In summary, the available evidence is currently insufficient to determine the role of this variant in disease. Therefore, it has been classified as a Variant of Uncertain Significance.

NM_015122.3(FCHO1):c.619C>T (p.His207Tyr)

Gene: FCHO1 (FCH and mu domain containing endocytic adaptor 1; plus strand). Cytogenetic location: 19p13.11.
Variant type: single nucleotide variant.
Coding change: c.619C>T on transcript NM_015122.3 (MANE Select); coding-DNA position 619, C replaced by T.
Protein change: p.His207Tyr; replaces histidine 207 with tyrosine.
Molecular consequence: missense variant. On other transcripts: non-coding transcript variant (36).
Genome position (GRCh38, 1-based): chr19:17,772,481, C>T. VCF-style: chr19-17772481-C-T. GRCh37 (hg19) VCF-style: chr19-17883290-C-T.
Other names: c.619C>T, p.His207Tyr (NM_001161357.2, NM_001161358.2, NM_001384370.1 and 26 more transcripts); c.469C>T, p.His157Tyr (NM_001161359.2, NM_001384384.1, NM_001384385.1 and 3 more transcripts); c.580C>T, p.His194Tyr (NM_001384388.1, NM_001384389.1, NM_001384405.1); c.544C>T, p.His182Tyr (NM_001384390.1); short protein forms H194Y, H207Y, H157Y, H182Y.
Identifiers: ClinVar variation 1360629 (VCV001360629.5), dbSNP rs914599625, ClinGen allele CA306111792.